The following is an entry in ClinVar:

ClinVar aggregate classification (germline): Uncertain significance (1 of 4 stars; one submission).

Submission:

GeneDx
Classification: Uncertain significance. Last evaluated: 2025-07-11. Review status: criteria provided, single submitter. Criteria: GeneDx Variant Classification Process June 2021. Collection method: clinical testing. Allele origin: germline. Affected: yes.
Comment: Not observed at significant frequency in large population cohorts (gnomAD); In silico analysis supports that this missense variant has a deleterious effect on protein structure/function; Has not been previously published as pathogenic or benign to our knowledge

NM_000540.3(RYR1):c.12327C>G (p.Phe4109Leu)

Gene: RYR1 (ryanodine receptor 1; plus strand). Cytogenetic location: 19q13.2.
Variant type: single nucleotide variant.
Coding change: c.12327C>G on transcript NM_000540.3 (MANE Select); coding-DNA position 12327, C replaced by G.
Protein change: p.Phe4109Leu; replaces phenylalanine 4109 with leucine.
Molecular consequence: missense variant.
Genome position (GRCh38, 1-based): chr19:38,561,157, C>G. VCF-style: chr19-38561157-C-G. GRCh37 (hg19) VCF-style: chr19-39051797-C-G.
Other names: c.12312C>G, p.Phe4104Leu (NM_001042723.2); short protein forms F4104L, F4109L.
Identifiers: ClinVar variation 4685340 (VCV004685340.1).